The following is an entry in ClinVar:

ClinVar aggregate classification (germline): Uncertain significance. Review status: criteria provided, multiple submitters, no conflicts (2 of 4 stars). 2 submissions from 2 submitters: Uncertain significance (2). Last evaluated 2024-09-26.

Conditions:
Inborn genetic diseases. Identifiers: MedGen C0950123, MeSH D030342.

Allele frequency attached by ClinVar (database versions not stated): gnomAD exomes below 0.00001 and 0.00001; TOPMed below 0.00001.
gnomAD v4.1: 16 of 1,614,088 alleles (0.00099%); highest among the groups gnomAD compares: Admixed American, 0.0017%; no homozygotes.

Submissions (2):

Ambry Genetics
Classification: Uncertain significance for Inborn genetic diseases. Last evaluated: 2024-09-26. Review status: criteria provided, single submitter. Criteria: Ambry Variant Classification Scheme 2023. Collection method: clinical testing. Allele origin: germline.

GeneDx
Classification: Uncertain significance. Last evaluated: 2019-11-05. Review status: criteria provided, single submitter. Criteria: GeneDx Variant Classification Process June 2021. Collection method: clinical testing. Allele origin: germline. Affected: yes.
Comment: In silico analysis, which includes protein predictors and evolutionary conservation, supports a deleterious effect; Has not been previously published as pathogenic or benign to our knowledge; In-silico analysis, which includes splice predictors and evolutionary conservation, is inconclusive as to whether the variant alters gene splicing. In the absence of RNA/functional studies, the actual effect of this sequence change is unknown.; Variants in candidate genes are classified as variants of uncertain significance in accordance with ACMG guidelines (Richards et al., 2015)

NM_016148.5(SHANK1):c.6458G>A (p.Arg2153Gln)

Gene: SHANK1 (SH3 and multiple ankyrin repeat domains 1; minus strand). Cytogenetic location: 19q13.33.
Variant type: single nucleotide variant.
Coding change: c.6458G>A on transcript NM_016148.5 (MANE Select); coding-DNA position 6458, G replaced by A.
Protein change: p.Arg2153Gln; replaces arginine 2153 with glutamine.
Molecular consequence: missense variant.
Genome position (GRCh38, 1-based): chr19:50,661,993, C>T on the plus strand (G>A on the coding strand, the complement: SHANK1 is on the minus strand). VCF-style: chr19-50661993-C-T. GRCh37 (hg19) VCF-style: chr19-51165250-C-T.
Other names: short protein forms R2153Q.
Identifiers: ClinVar variation 1254392 (VCV001254392.3), dbSNP rs976098547, ClinGen allele CA309619945.
Genomic context (GRCh38, chr19:50,661,993, plus strand): 5'-TGTGGACGGGGCTGGTCCGTCCAGGCCAGCCATCACCTCTCCAGGAAGAATTTGAGAGCC[C>T]GGTCGATGTTCATGCGGTGGCCCACCCTGGTCACACCTAGATCGACGTAGTCCTCCTTGG-3'
Protein context (NP_057232.2, residues 2143-2161): TRVGHRMNID[Arg2153Gln]ALKFFLER